The following is an entry in ClinVar:

ClinVar aggregate classification (germline): Pathogenic. Review status: criteria provided, multiple submitters, no conflicts (2 of 4 stars). 3 submissions from 3 submitters: Pathogenic (3). Last evaluated 2024-12-04.

Conditions:
Hereditary cancer-predisposing syndrome. Also called: Neoplastic Syndromes, Hereditary; Tumor predisposition; Hereditary Cancer Syndrome; Hereditary neoplastic syndrome. Identifiers: Orphanet 140162, MedGen C0027672, MeSH D009386, MONDO:0015356.
Fanconi anemia complementation group J. Also called: BRIP1-Related Fanconi Anemia. Identifiers: Orphanet 84, MedGen C1836860, MONDO:0012187, OMIM 609054.
Familial cancer of breast. Also called: Hereditary breast cancer; BREAST CANCER, FAMILIAL; hereditary breast carcinoma. Identifiers: Orphanet 227535, MedGen C0346153, MONDO:0016419, OMIM 114480. Disease mechanism: loss of function.

Submissions (3):

Ambry Genetics
Classification: Pathogenic for Hereditary cancer-predisposing syndrome. Last evaluated: 2024-12-04. Review status: criteria provided, single submitter. Criteria: Ambry Variant Classification Scheme 2023. Collection method: clinical testing. Allele origin: germline.
Comment: The c.1831delG pathogenic mutation, located in coding exon 12 of the BRIP1 gene, results from a deletion of one nucleotide at nucleotide position 1831, causing a translational frameshift with a predicted alternate stop codon (p.V611Ffs*2). This variant is considered to be rare based on population cohorts in the Genome Aggregation Database (gnomAD). This alteration is expected to result in loss of function by premature protein truncation or nonsense-mediated mRNA decay. As such, this alteration is interpreted as a disease-causing mutation.

Myriad Genetics, Inc.
Classification: Pathogenic for Familial cancer of breast. Last evaluated: 2023-06-05. Review status: criteria provided, single submitter. Criteria: Myriad Autosomal Dominant, Autosomal Recessive and X-Linked Classification Criteria (2023). Collection method: clinical testing. Allele origin: unknown.
Comment: This variant is considered pathogenic. This variant creates a frameshift predicted to result in premature protein truncation.

Labcorp Genetics (formerly Invitae), Labcorp
Classification: Pathogenic for Familial cancer of breast; Fanconi anemia complementation group J. Last evaluated: 2018-02-17. Review status: criteria provided, single submitter. Criteria: Invitae Variant Classification Sherloc (09022015). Collection method: clinical testing. Allele origin: germline.
Comment: For these reasons, this variant has been classified as Pathogenic. Loss-of-function variants in BRIP1 are known to be pathogenic (PMID: 16116423, 17033622, 21964575). This variant has not been reported in the literature in individuals with BRIP1-related disease. This variant is not present in population databases (ExAC no frequency). This sequence change creates a premature translational stop signal (p.Val611Phefs*2) in the BRIP1 gene. It is expected to result in an absent or disrupted protein product.

Literature cited by the submitters: PubMed 16116423 (cited by Labcorp Genetics (formerly Invitae), Labcorp); PubMed 17033622 (cited by Labcorp Genetics (formerly Invitae), Labcorp); PubMed 21964575 (cited by Labcorp Genetics (formerly Invitae), Labcorp).

NM_032043.3(BRIP1):c.1831del (p.Val611fs)

Gene: BRIP1 (BRCA1 interacting DNA helicase 1; minus strand). Cytogenetic location: 17q23.2.
Variant type: Deletion.
Coding change: c.1831del on transcript NM_032043.3 (MANE Select); coding-DNA position 1831, one base deleted (G; older notation c.1831delG).
Protein change: p.Val611fs; shifts the reading frame from valine 611.
Molecular consequence: frameshift variant.
Genome position (GRCh38, 1-based): chr17:61,780,365, C deleted on the plus strand (G on the coding strand, the reverse complement: BRIP1 is on the minus strand). VCF-style (leftmost placement, unchanged base first): chr17-61780364-AC-A. GRCh37 (hg19) VCF-style: chr17-59857725-AC-A.
Other names: c.1831delG (NM_032043.2); short protein forms V611fs.
Identifiers: ClinVar variation 565831 (VCV000565831.10), dbSNP rs1567812616, ClinGen allele CA891843519.